The following is an entry in ClinVar:

ClinVar aggregate classification (germline): Conflicting classifications of pathogenicity; association. Review status: criteria provided, conflicting classifications (1 of 4 stars). 20 submissions from 17 submitters: Pathogenic (1); Likely pathogenic (2); Established risk allele (1); Uncertain significance (7); Likely benign (1). 7 of the submissions do not count toward it. Last evaluated 2026-02-13.

Conditions:
Yao syndrome. Also called: Susceptibility to Yao syndrome. Identifiers: MedGen C4310620, MONDO:0015019, OMIM 617321.
Inflammatory bowel disease 1 (IBD1). Also called: INFLAMMATORY BOWEL DISEASE (CROHN DISEASE) 1; Inflammatory bowel disease 1, Crohn disease. Identifiers: MedGen CN260071, MONDO:0009960, OMIM 266600.
Blau syndrome (BLAUS). Also called: ARTHROCUTANEOUVEAL GRANULOMATOSIS; GRANULOMATOSIS, FAMILIAL JUVENILE SYSTEMIC; GRANULOMATOSIS, FAMILIAL, BLAU TYPE; GRANULOMATOUS INFLAMMATORY ARTHRITIS, DERMATITIS, AND UVEITIS, FAMILIAL; JABS SYNDROME. Identifiers: Orphanet 90340, MedGen C5201146, MONDO:0008523, OMIM 186580.
Crohn disease. Also called: Crohn's disease. Identifiers: MedGen C0010346, MONDO:0005011, HP:0100280.
Crohn’s Disease.
Regional enteritis. Also called: Enteritis, Granulomatous. Identifiers: MedGen C0678202, MeSH D003424.
Autoinflammatory syndrome. Identifiers: Orphanet 93665, MedGen C3890737, MONDO:0019751.

Submissions 1 to 7 of 20:

OLLIN Analises Genomicas, OLLIN
Classification: Established risk allele for Inflammatory bowel disease 1. Last evaluated: 2026-02-13. Review status: criteria provided, single submitter. Criteria: ACMG Guidelines 2015 PMID 25741868. Collection method: clinical testing. Allele origin: germline. Observed: 2 variant alleles.

Women's Health and Genetics/Laboratory Corporation of America, LabCorp
Classification: Uncertain significance. Last evaluated: 2026-02-05. Review status: criteria provided, single submitter. Criteria: LabCorp Variant Classification Summary - May 2015. Collection method: clinical testing. Allele origin: germline.
Comment: Variant summary: NOD2 c.3019dupC (p.Leu1007ProfsX2) results in a premature termination codon, predicted to cause a truncation of the encoded protein or absence of the protein due to nonsense mediated decay, however current evidence is not sufficient to establish loss of function as a mechanism for disease. The variant allele was found at a frequency of 0.015 in 251370 control chromosomes in the gnomAD database, including 108 homozygotes. The observed variant frequency exceeds the estimated maximal expected allele frequency for disease-causing variants in NOD2 resulting in Blau syndrome. c.3019dupC has not been observed in individuals affected with Blau syndrome. However, it has been reported in association with Crohn's disease, particularly when found as part of a haplotype including p.Arg702Trp and p.Gly908Arg (e.g. Ogura_2001, Bonen_2003). In these case control studies, the variant was found at a significantly higher frequency in individuals affected with Crohn's disease but it was also observed in unaffected controls, suggesting it likely confers an increased risk of Crohn's disease but that other factors are likely involved in disease development. Publications report experimental evidence evaluating an impact on protein function and found that the variant resulted in greatly reduced levels of NF-B activation in response to bacterial lipopolysaccharides when compared with wild-type NOD2 response (Ogura_2001, Bonen_2003), however, the clinical significance of these results has yet to be fully determined. The following publications have been ascertained in the context of this evaluation (PMID: 11385577, 12512038). ClinVar contains an entry for this variant (Variation ID: 4691). The variant is unlikely to be associated with Blau syndrome, but is a potential risk allele for Crohn's disease. Based on the evidence outlined above, the variant was classified as uncertain significance.

Labcorp Genetics (formerly Invitae), Labcorp
Classification: association for Regional enteritis; Blau syndrome. Last evaluated: 2026-02-01. Review status: criteria provided, single submitter. Criteria: Invitae Variant Classification Sherloc (09022015). Collection method: clinical testing. Allele origin: germline.
Comment: This sequence change creates a premature translational stop signal (p.Leu1007Profs*2) in the NOD2 gene. It is expected to result in an absent or disrupted protein product. While this is not anticipated to result in nonsense mediated decay, it is expected to disrupt the last 34 amino acid(s) of the NOD2 protein. This variant is present in population databases (rs2066847, gnomAD 3%), including at least one homozygous and/or hemizygous individual. Population-based case-control studies and family studies have shown that this variant confers an elevated risk of Crohn's disease (PMID: 21548950, 15024686, 18489434, 11425413, 11385576, 11385577, 11910337, 12019468, 15190267, 15571588). In a large meta-analysis involving 75 case-control studies with 18,727 cases and 17,102 controls (PMID: 19713276), individuals carrying this variant had an increased overall risk of Crohn's disease (OR = 3.8, 95% CI 3.4-4.3). When all three NOD2 genotypes were combined (p.Arg702Trp, p.Gly908Arg, and p.Leu1007Profs*2), the odds ratios for Crohn's disease were 2.4 (95% CI, 2.0-2.8) for simple heterozygotes, 9.0 (95% CI 6.0-13.5) for compound heterozygotes, and 6.7 (95% CI 4.1-10.9) for homozygotes, compared with noncarriers. This variant is also known as c.3020insC in the literature. ClinVar contains an entry for this variant (Variation ID: 4691). Algorithms developed to predict the effect of variants on gene product structure and function are not available or were not evaluated for this variant. Experimental studies have shown that this truncating variant conveys reduced production of cytokines upon bacterial exposure but is capable of inducing T-cell polarization (PMID: 18240302). This variant also demonstrated decreased NFkB activity and decreased response to lipopolysaccharide and peptidoglycan compared to wildtype protein (PMID: 12512038, 15198989), and impaired membrane association and signaling responses upon stimulation of synthetic immunoreactive peptides (PMID: 26500656, 22684479, 21335489). In summary, this is a frequently observed variant that is associated with approximately a 3.8-fold increased risk of Crohn's disease in population studies. Therefore, it has been classified as an Increased Risk Allele.

Variantyx, Inc.
Classification: Likely pathogenic for Blau syndrome. Last evaluated: 2026-01-23. Review status: criteria provided, single submitter. Criteria: Variantyx Assertion Criteria 2022. Collection method: clinical testing. Allele origin: germline. Inheritance: Autosomal dominant inheritance. Affected: no.
Comment: This is a frameshift variant in the NOD2 gene (OMIM: 605956). Pathogenic variants in this gene have been associated with autosomal dominant Blau syndrome. This variant introduces a premature termination codon in exon 11 out of 12 and is not expected to result in nonsense-mediated mRNA decay, but functional studies show that it leads to a truncated protein of altered function (PMID: 12512038, 26500656, 22684479, 21335489, 12673278, 16010583, 11385577) (PM4). The frequency of this variant in affected individuals is significantly increased compared to controls (PMID: 19713276) (PS4). The maximum allele frequency in control populations of this variant is 2.1633%. Based on the current evidence, this variant is classified as likely pathogenic with reduced penetrance for autosomal dominant Blau syndrome.

Variantyx, Inc.
Classification: Likely pathogenic for Inflammatory bowel disease 1. Last evaluated: 2025-03-27. Review status: criteria provided, single submitter. Criteria: Variantyx Assertion Criteria 2022. Collection method: clinical testing. Allele origin: maternal.
Comment: This is a frameshift variant in the NOD2 gene (OMIM: 605956). Pathogenic variants in this gene have been associated with autosomal dominant susceptibility to inflammatory bowel disease 1 (Crohn disease). This variant introduces a premature termination codon in exon 11 out of 12. It is not expected to result in nonsense-mediated mRNA decay and functional studies show that it leads to a truncated protein of altered function (PMID: 12512038, 26500656, 22684479, 21335489, 12673278, 16010583, 11385577) (PM4). However, it is unclear whether these functional effects are consistent with the expected disease mechanism associated with NOD2-related disease, which has yet to be elucidated. This variant has been associated with an increased risk of developing Crohn disease in population studies (OR=3.3, 95% CI 2.8-3.8). When genotypes were combined with two other variants (p.Arg675Trp and p.Gly881Arg), odds ratios for Crohn disease were 2.4 (95% CI, 2.0-2.8) for simple heterozygotes, 9.0 (6.0-13.5) for compound heterozygotes, and 6.7 (4.1-10.9) for homozygotes, compared with controls (PMID: 19713276) (PS4). This variant has a 2.1633% maximum allele frequency in control populations. Based on the current evidence, this variant is classified as an established risk variant (likely pathogenic with low penetrance) for autosomal dominant susceptibility to inflammatory bowel disease 1 (Crohn disease).

Blueprint Genetics
Classification: Uncertain significance. Last evaluated: 2024-11-26. Review status: criteria provided, single submitter. Criteria: ACMG Guidelines, 2015. Collection method: clinical testing. Allele origin: germline.

GeneDx
Classification: Uncertain significance. Last evaluated: 2024-08-22. Review status: criteria provided, single submitter. Criteria: GeneDx Variant Classification Process June 2021. Collection method: clinical testing. Allele origin: germline. Affected: yes.
Comment: Frameshift variant predicted to result in abnormal protein length as the last 34 amino acids are replaced with 1 different amino acids in a gene for which loss-of-function is not known mechanism of disease; This variant is associated with the following publications: (PMID: 24586700, 34975878, 32716958, 22344438, 19103559, 19641059, 26167078, 21951874, 21745302, 19185283, 22543157, 24047397, 21565239, 23173613, 12704363, 19748964, 23633568, 20713205, 19184348, 19184350, 21548950, 18942754, 20332463, 26042516, 24597572, 21994160, 25365249, 20047977, 21460759, 19713276, 23615072, 22939045, 12512038, 29867916, 28750667, 29248579, 28658209, 29321258, 29178652, 28008999, 17301648, 16010583, 30166421, 11910337, 16669960, 27373512, 16416181, 29795570, 30167848, 30552907, 30553995, 28422189, 22440928, 22275320, 24345423, 23128233, 32597225, 27306066, 29446656, 12673278, 12650796, 17489054, 35743704, 31345219, 28819537, 34788239, 21983784, 11385577, 21335489, 19349988, 22684479, 19397946, 32463623, 33692434, 15002819, 23709157, 26070941, 11425413)

NM_022162.3(NOD2):c.3019dup (p.Leu1007fs)

Genes: CYLD-AS1 (CYLD antisense RNA 1; minus strand), NOD2 (nucleotide binding oligomerization domain containing 2; plus strand). Cytogenetic location: 16q12.1.
Variant type: Duplication.
Coding change: c.3019dup on transcript NM_022162.3; coding-DNA position 3019, one base duplicated (C; older notation c.3019dupC).
Protein change: p.Leu1007fs; shifts the reading frame from leucine 1007.
Genome position (GRCh38, 1-based): chr16:50,729,870, C duplicated; the last of 3 consecutive C bases (chr16:50,729,868-50,729,870); duplicating any one gives the same sequence. VCF-style (leftmost placement, unchanged base first): chr16-50729867-G-GC. GRCh37 (hg19) VCF-style: chr16-50763778-G-GC.
Other names: p.Leu1007Profs*2; c.2938dup, p.Leu980fs (NM_001293557.2, NM_001370466.1); c.3019dup (NM_022162.1); c.3019dupC (NM_022162.3); short protein forms L980fs, L1007fs.
Identifiers: ClinVar variation 4691 (VCV000004691.53), dbSNP rs2066847, ClinGen allele CA129325.